The following is an entry in ClinVar:

NM_003476.5(CSRP3):c.143C>T (p.Thr48Ile)

Gene: CSRP3 (cysteine and glycine rich protein 3; minus strand). Cytogenetic location: 11p15.1.
Variant type: single nucleotide variant.
Coding change: c.143C>T on transcript NM_003476.5 (MANE Select); coding-DNA position 143, C replaced by T.
Protein change: p.Thr48Ile; replaces threonine 48 with isoleucine.
Molecular consequence: missense variant. On other transcripts: intron variant (1).
Genome position (GRCh38, 1-based): chr11:19,188,274, G>A on the plus strand (C>T on the coding strand, the complement: CSRP3 is on the minus strand). VCF-style: chr11-19188274-G-A. GRCh37 (hg19) VCF-style: chr11-19209821-G-A.
Other names: c.113-1926C>T (NM_001369404.1); short protein forms T48I.
Identifiers: ClinVar variation 1038977 (VCV001038977.8), dbSNP rs1850561050, ClinGen allele CA379888386.

ClinVar aggregate classification (germline): Uncertain significance (1 of 4 stars; one submission).

Conditions:
Dilated cardiomyopathy 1M (CMD1M). Identifiers: Orphanet 154, MedGen C1843808, MONDO:0011840, OMIM 607482.
Hypertrophic cardiomyopathy 12. Identifiers: MedGen C2677491, MONDO:0012804, OMIM 612124.

Allele frequency attached by ClinVar (database versions not stated): gnomAD exomes below 0.00001.
gnomAD v4.1: 1 of 1,612,632 alleles (0.000062%); highest among the groups gnomAD compares: Non-Finnish European, 0.000085%; no homozygotes.

Submission:

Labcorp Genetics (formerly Invitae), Labcorp
Classification: Uncertain significance for Hypertrophic cardiomyopathy 12; Dilated cardiomyopathy 1M. Last evaluated: 2022-07-19. Review status: criteria provided, single submitter. Criteria: Invitae Variant Classification Sherloc (09022015). Collection method: clinical testing. Allele origin: germline.
Comment: In summary, the available evidence is currently insufficient to determine the role of this variant in disease. Therefore, it has been classified as a Variant of Uncertain Significance. Algorithms developed to predict the effect of missense changes on protein structure and function are either unavailable or do not agree on the potential impact of this missense change (SIFT: "Deleterious"; PolyPhen-2: "Probably Damaging"; Align-GVGD: "Class C15"). ClinVar contains an entry for this variant (Variation ID: 1038977). This variant has not been reported in the literature in individuals affected with CSRP3-related conditions. This variant is not present in population databases (gnomAD no frequency). This sequence change replaces threonine, which is neutral and polar, with isoleucine, which is neutral and non-polar, at codon 48 of the CSRP3 protein (p.Thr48Ile).